The following is an entry in ClinVar:

ClinVar aggregate classification (germline): Conflicting classifications of pathogenicity. Review status: criteria provided, conflicting classifications (1 of 4 stars). 5 submissions from 5 submitters: Pathogenic (1); Likely pathogenic (2); Uncertain significance (2). Last evaluated 2024-10-08.

Conditions:
Lethal left ventricular non-compaction-seizures-hypotonia-cataract-developmental delay syndrome. Also called: Combined oxidative phosphorylation deficiency 31. Identifiers: Orphanet 478049, MedGen C4310661, MONDO:0014976, OMIM 617228.

Submissions (5):

Victorian Clinical Genetics Services, Murdoch Childrens Research Institute
Classification: Likely pathogenic for Lethal left ventricular non-compaction-seizures-hypotonia-cataract-developmental delay syndrome. Last evaluated: 2024-10-08. Review status: criteria provided, single submitter. Criteria: ACMG Guidelines, 2015. Collection method: clinical testing. Allele origin: germline. Inheritance: Autosomal recessive inheritance. Affected: yes.
Comment: Based on the classification scheme VCGS_Germline_v1.3.4, this variant is classified as Likely pathogenic. Following criteria are met: 0102 - Loss of function is a known mechanism of disease in this gene and is associated with combined oxidative phosphorylation deficiency 31 (MIM#617228) (PMID:34620555, 27799064). (I) 0106 - This gene is associated with autosomal recessive disease. (I) 0201 - Variant is predicted to cause nonsense-mediated decay (NMD) and loss of protein (premature termination codon is located at least 54 nucleotides upstream of the final exon-exon junction). (SP) 0251 - This variant is heterozygous. (I) 0304 - Variant is present in gnomAD (v2) <0.01 for a recessive condition (21 heterozygotes, 0 homozygotes). (SP) 0708 - Other NMD variants comparable to the one identified in this case have conflicting previous evidence for pathogenicity. Four other NMD variants in this gene have been classified as either VUS or likely pathogenic/pathogenic in ClinVar, and two NMD variants have been observed in trans with missense variants that are classified as VUS (ClinVar, PMID: 27799064). (I) 0807 - This variant has no previous evidence of pathogenicity. (I) 0905 - No published segregation evidence has been identified for this variant. (I) 1007 - No published functional evidence has been identified for this variant. (I) 1208 - Inheritance information for this variant is not currently available in this individual. (I) Legend: (SP) - Supporting pathogenic, (I) - Information, (SB) - Supporting benign

Labcorp Genetics (formerly Invitae), Labcorp
Classification: Pathogenic. Last evaluated: 2024-02-11. Review status: criteria provided, single submitter. Criteria: Invitae Variant Classification Sherloc (09022015). Collection method: clinical testing. Allele origin: germline.
Comment: This sequence change creates a premature translational stop signal (p.Tyr586Profs*2) in the MIPEP gene. It is expected to result in an absent or disrupted protein product. Loss-of-function variants in MIPEP are known to be pathogenic (PMID: 27799064, 34620555). This variant is present in population databases (rs765145474, gnomAD 0.02%). This variant has not been reported in the literature in individuals affected with MIPEP-related conditions. For these reasons, this variant has been classified as Pathogenic.

Blueprint Genetics
Classification: Uncertain significance. Last evaluated: 2023-10-20. Review status: criteria provided, single submitter. Criteria: ACMG Guidelines, 2015. Collection method: clinical testing. Allele origin: germline.

Department of Pathology and Laboratory Medicine, Sinai Health System
Classification: Likely pathogenic for Lethal left ventricular non-compaction-seizures-hypotonia-cataract-developmental delay syndrome. Last evaluated: 2023-08-21. Review status: criteria provided, single submitter. Criteria: ACMG Guidelines, 2015. Collection method: research. Allele origin: germline.

GeneDx
Classification: Uncertain significance. Last evaluated: 2023-06-16. Review status: criteria provided, single submitter. Criteria: GeneDx Variant Classification Process June 2021. Collection method: clinical testing. Allele origin: germline. Affected: yes.
Comment: Frameshift variant predicted to result in protein truncation or nonsense mediated decay in a gene for which loss of function is a known mechanism of disease; Has not been previously published as pathogenic or benign to our knowledge

Literature cited by the submitters: PubMed 27799064 (cited by Victorian Clinical Genetics Services, Murdoch Childrens Research Institute and Labcorp Genetics (formerly Invitae), Labcorp); PubMed 34620555 (cited by Victorian Clinical Genetics Services, Murdoch Childrens Research Institute and Labcorp Genetics (formerly Invitae), Labcorp).

NM_005932.4(MIPEP):c.1756_1771del (p.Tyr586fs)

Gene: MIPEP (mitochondrial intermediate peptidase; minus strand). Cytogenetic location: 13q12.12.
Variant type: Deletion.
Coding change: c.1756_1771del on transcript NM_005932.4 (MANE Select); coding-DNA positions 1756 to 1771, 16 bases deleted (TACCATGGGAAGCATC).
Protein change: p.Tyr586fs; shifts the reading frame from tyrosine 586.
Molecular consequence: frameshift variant.
Genome position (GRCh38, 1-based): chr13:23,806,027-23,806,042, GATGCTTCCCATGGTA deleted on the plus strand (TACCATGGGAAGCATC on the coding strand, the reverse complement: MIPEP is on the minus strand); deleting any 16 consecutive bases within chr13:23,806,027-23,806,045 gives the same sequence; the c. name uses the placement nearest the transcript's 3' end. VCF-style (leftmost placement, unchanged base first): chr13-23806026-GGATGCTTCCCATGGTA-G. GRCh37 (hg19) VCF-style: chr13-24380165-GGATGCTTCCCATGGTA-G.
Other names: short protein forms Y586fs.
Identifiers: ClinVar variation 3359977 (VCV003359977.6).